The following is an entry in ClinVar:

ClinVar aggregate classification (germline): Benign. Review status: reviewed by expert panel (3 of 4 stars). 4 submissions from 4 submitters: Benign (1). 3 of the submissions do not count toward it. Last evaluated 2026-01-25.

Conditions:
Primary ciliary dyskinesia. Also called: Ciliary dyskinesia. Identifiers: Orphanet 244, MedGen C0008780, MONDO:0016575, HP:0012265.
RPGR-related retinopathy. Also called: RPGR retinopathy. Identifiers: MedGen CN305589, MONDO:0100437.

Allele frequency attached by ClinVar (database versions not stated): gnomAD 0.00038 and 0.00040; TOPMed 0.00043; gnomAD exomes 0.00046 and 0.00056; ExAC 0.00061; ESP Exome Variant Server 0.00066.

Submissions (4):

ClinGen X-linked Inherited Retinal Disease Variant Curation Expert Panel, ClinGen
Classification: Benign for RPGR-related retinopathy. Last evaluated: 2026-01-25. Review status: reviewed by expert panel. Criteria: ClinGen X LinkedIRD ACMG Specifications RPGR V1.0.0. Collection method: curation. Allele origin: germline. Inheritance: X-linked inheritance.
Comment: NM_001034853.2(RPGR):c.154+14T>C is a non-coding variant in intron 2 that is located outside of the splice donor region (BP7). The splicing impact predictor SpliceAI gives a delta score of 0.00 for all splicing events, which is below the ClinGen X-linked IRD VCEP recommended threshold of <0.1 and does not strongly predict an impact on splicing (BP4). This variant is present in gnomAD v.4.1.0 at a frequency of 0.0004359 among hemizygous individuals, with 29 variant alleles / 66,525 total alleles, which is higher than the ClinGen X-linked IRD VCEP BA1 threshold of >0.00005 (BA1). In summary, this variant is classified as benign for RPGR-related retinopathy based on the ClinGen X-linked Inherited Retinal Disease Expert Panel Specifications to the ACMG/AMP Variant Interpretation Guidelines for RPGR Version 1.0.0; BA1, BP4, and BP7.

Labcorp Genetics (formerly Invitae), Labcorp
Classification: Benign for Primary ciliary dyskinesia. Last evaluated: 2026-01-26. Review status: criteria provided, single submitter. Criteria: Invitae Variant Classification Sherloc (09022015). Collection method: clinical testing. Allele origin: germline. Not counted in ClinVar's aggregate classification.

Blueprint Genetics
Classification: Likely benign. Last evaluated: 2024-09-05. Review status: criteria provided, single submitter. Criteria: ACMG Guidelines, 2015. Collection method: clinical testing. Allele origin: germline. Not counted in ClinVar's aggregate classification.

ARUP Laboratories, Molecular Genetics and Genomics, ARUP Laboratories
Classification: Benign. Last evaluated: 2021-11-30. Review status: criteria provided, single submitter. Criteria: ARUP Molecular Germline Variant Investigation Process 2021. Collection method: clinical testing. Allele origin: germline. Not counted in ClinVar's aggregate classification.

NM_001034853.2(RPGR):c.154+14T>C

Gene: RPGR (retinitis pigmentosa GTPase regulator; minus strand). Cytogenetic location: Xp11.4.
Variant type: single nucleotide variant.
Coding change: c.154+14T>C on transcript NM_001034853.2 (MANE Select); 14 bases into the intron after coding-DNA position 154, T replaced by C.
Molecular consequence: intron variant.
Genome position (GRCh38, 1-based): chrX:38,323,385, A>G on the plus strand (T>C on the coding strand, the complement: RPGR is on the minus strand). VCF-style: chrX-38323385-A-G. GRCh37 (hg19) VCF-style: chrX-38182638-A-G.
Other names: c.154+14T>C (NM_001367249.1, NM_001367250.1, NM_001367245.1 and 4 more transcripts); c.184+14T>C (NM_001367248.1).
Identifiers: ClinVar variation 994022 (VCV000994022.19), dbSNP rs200069705, ClinGen allele CA10385727.